The following is an entry in ClinVar:

ClinVar aggregate classification (germline): Benign. Review status: criteria provided, multiple submitters, no conflicts (2 of 4 stars). 2 submissions from 2 submitters: Benign (2). Last evaluated 2026-01-26.

Allele frequency attached by ClinVar (database versions not stated): gnomAD 0.00889 and 0.00948; TOPMed 0.00959; ESP Exome Variant Server 0.00992; 1000 Genomes Project 0.01078; 1000 Genomes Project 30x 0.01249.
gnomAD v4.1: 2,525 of 1,593,854 alleles (0.16%); highest among the groups gnomAD compares: African/African-American, 3%; 34 homozygotes.

Submissions (2):

Labcorp Genetics (formerly Invitae), Labcorp
Classification: Benign. Last evaluated: 2026-01-26. Review status: criteria provided, single submitter. Criteria: Invitae Variant Classification Sherloc (09022015). Collection method: clinical testing. Allele origin: germline.

GeneDx
Classification: Benign. Last evaluated: 2016-07-25. Review status: criteria provided, single submitter. Criteria: GeneDx Variant Classification (06012015). Collection method: clinical testing. Allele origin: germline. Affected: yes.
Comment: This variant is considered likely benign or benign based on one or more of the following criteria: it is a conservative change, it occurs at a poorly conserved position in the protein, it is predicted to be benign by multiple in silico algorithms, and/or has population frequency not consistent with disease.

NM_002291.3(LAMB1):c.2854+20T>G

Gene: LAMB1 (laminin subunit beta 1; minus strand). Cytogenetic location: 7q31.1.
Variant type: single nucleotide variant.
Coding change: c.2854+20T>G on transcript NM_002291.3 (MANE Select); 20 bases into the intron after coding-DNA position 2854, T replaced by G.
Molecular consequence: intron variant.
Genome position (GRCh38, 1-based): chr7:107,955,447, A>C on the plus strand (T>G on the coding strand, the complement: LAMB1 is on the minus strand). VCF-style: chr7-107955447-A-C. GRCh37 (hg19) VCF-style: chr7-107595892-A-C.
Identifiers: ClinVar variation 384304 (VCV000384304.10), dbSNP rs112564395, ClinGen allele CA4435505.